The following is an entry in ClinVar:

NM_015158.5(KANK1):c.2322C>T (p.Leu774=)

Gene: KANK1 (KN motif and ankyrin repeat domains 1; plus strand). Cytogenetic location: 9p24.3.
Variant type: single nucleotide variant.
Coding change: c.2322C>T on transcript NM_015158.5 (MANE Select); coding-DNA position 2322, C replaced by T.
Protein change: p.Leu774=; no amino-acid change (leucine 774 retained).
Molecular consequence: synonymous variant. On other transcripts: non-coding transcript variant (1).
Genome position (GRCh38, 1-based): chr9:713,088, C>T. VCF-style: chr9-713088-C-T. GRCh37 (hg19) VCF-style: chr9-713088-C-T.
Other names: c.2322C>T, p.Leu774= (NM_001256876.3, NM_001256877.3, NM_001354331.2 and 2 more transcripts); c.1848C>T, p.Leu616= (NM_001354333.2, NM_001354335.2, NM_001354336.2 and 9 more transcripts).
Identifiers: ClinVar variation 3029912 (VCV003029912.2), dbSNP rs748143670, ClinGen allele CA4960485.

ClinVar aggregate classification (germline): Likely benign (0 of 4 stars; one submission).

Conditions:
KANK1-related disorder. Also called: KANK1-related condition.

Allele frequency attached by ClinVar (database versions not stated): ExAC 0.00002.
gnomAD v4.1: 45 of 1,613,188 alleles (0.0028%); highest among the groups gnomAD compares: Non-Finnish European, 0.0036%; no homozygotes.

Submission:

PreventionGenetics, part of Exact Sciences
Classification: Likely benign for KANK1-related condition. Last evaluated: 2021-11-02. Review status: no assertion criteria provided. Collection method: clinical testing. Allele origin: germline.
Comment: This variant is classified as likely benign based on ACMG/AMP sequence variant interpretation guidelines (Richards et al. 2015 PMID: 25741868, with internal and published modifications).